The following is an entry in ClinVar:

NM_152618.3(BBS12):c.294A>G (p.Ala98=)

Gene: BBS12 (Bardet-Biedl syndrome 12; plus strand). Cytogenetic location: 4q27.
Variant type: single nucleotide variant.
Coding change: c.294A>G on transcript NM_152618.3 (MANE Select); coding-DNA position 294, A replaced by G.
Protein change: p.Ala98=; no amino-acid change (alanine 98 retained).
Molecular consequence: synonymous variant.
Genome position (GRCh38, 1-based): chr4:122,742,186, A>G. VCF-style: chr4-122742186-A-G. GRCh37 (hg19) VCF-style: chr4-123663341-A-G.
Other names: c.294A>G, p.Ala98= (NM_001178007.2); c.294A>G (NM_152618.2).
Identifiers: ClinVar variation 3016889 (VCV003016889.4), dbSNP rs1800885051, ClinGen allele CA441120214.

ClinVar aggregate classification (germline): Likely benign. Review status: criteria provided, multiple submitters, no conflicts (2 of 4 stars). 2 submissions from 2 submitters: Likely benign (2). Last evaluated 2025-03-25.

Conditions:
BBS12-related disorder. Also called: BBS12-related condition.
Bardet-Biedl syndrome (BBS). Identifiers: Orphanet 110, MedGen C0752166, MONDO:0015229.

Submissions (2):

PreventionGenetics, part of Exact Sciences
Classification: Likely benign for BBS12-related condition. Last evaluated: 2025-03-25. Review status: criteria provided, single submitter. Criteria: ACMG Guidelines, 2015. Collection method: clinical testing. Allele origin: germline.
Comment: This variant is classified as likely benign based on ACMG/AMP sequence variant interpretation guidelines (Richards et al. 2015 PMID: 25741868, with internal and published modifications).

Labcorp Genetics (formerly Invitae), Labcorp
Classification: Likely benign for Bardet-Biedl syndrome. Last evaluated: 2024-10-23. Review status: criteria provided, single submitter. Criteria: Invitae Variant Classification Sherloc (09022015). Collection method: clinical testing. Allele origin: germline.